The following is an entry in ClinVar:

NM_152657.4(GGN):c.1177C>T (p.Pro393Ser)

Gene: GGN (gametogenetin; minus strand). Cytogenetic location: 19q13.2.
Variant type: single nucleotide variant.
Coding change: c.1177C>T on transcript NM_152657.4 (MANE Select); coding-DNA position 1177, C replaced by T.
Protein change: p.Pro393Ser; replaces proline 393 with serine.
Molecular consequence: missense variant.
Genome position (GRCh38, 1-based): chr19:38,386,085, G>A on the plus strand (C>T on the coding strand, the complement: GGN is on the minus strand). VCF-style: chr19-38386085-G-A. GRCh37 (hg19) VCF-style: chr19-38876725-G-A.
Other names: short protein forms P393S.
Identifiers: ClinVar variation 769453 (VCV000769453.29), dbSNP rs202082712, ClinGen allele CA9414205.
Genomic context (GRCh38, chr19:38,386,085, plus strand): 5'-GCGCCAGCAGGGCAGGTGCGGGCCTCCGGGGCCCGGGAGCTGAGTGTATCTGCTCTGGTG[G>A]TGGCGGAGGGGAGCCCCAAGGCCCAGAGAGTGCGGCCGCACGCCGTCGCGGCGCCCCGAT-3'
Protein context (NP_689870.3, residues 383-403): LSGPWGSPPP[Pro393Ser]PEQIHSAPGP

ClinVar aggregate classification (germline): Benign/Likely benign. Review status: criteria provided, multiple submitters, no conflicts (2 of 4 stars). 2 submissions from 2 submitters: Benign (1); Likely benign (1). Last evaluated 2024-05-01.

Allele frequency attached by ClinVar (database versions not stated): 1000 Genomes Project 30x 0.00109; 1000 Genomes Project 0.00120; TOPMed 0.00396; gnomAD 0.00449 and 0.00462; gnomAD exomes 0.00456 and 0.00661; ESP Exome Variant Server 0.00541; ExAC 0.00773.
gnomAD v4.1: 10,018 of 1,585,522 alleles (0.63%); highest among the groups gnomAD compares: Non-Finnish European, 0.79%; 47 homozygotes.

Submissions (2):

CeGaT Center for Human Genetics Tuebingen
Classification: Likely benign. Last evaluated: 2024-05-01. Review status: criteria provided, single submitter. Criteria: CeGaT Center For Human Genetics Tuebingen Variant Classification Criteria Version 2. Collection method: clinical testing. Allele origin: germline. Affected: yes. Observed: 4 variant alleles.
Comment: GGN: BS2

Labcorp Genetics (formerly Invitae), Labcorp
Classification: Benign. Last evaluated: 2019-12-31. Review status: criteria provided, single submitter. Criteria: Invitae Variant Classification Sherloc (09022015). Collection method: clinical testing. Allele origin: germline.